The following is an entry in ClinVar:

ClinVar aggregate classification (germline): Likely pathogenic. Review status: criteria provided, multiple submitters, no conflicts (2 of 4 stars). 2 submissions from 2 submitters: Likely pathogenic (2). Last evaluated 2024-07-08.

Conditions:
Alstrom syndrome (ALMS). Identifiers: Orphanet 64, MedGen C0268425, MONDO:0008763, OMIM 203800.

Submissions (2):

Natera, Inc.
Classification: Likely pathogenic for Alstrom syndrome. Last evaluated: 2024-07-08. Review status: criteria provided, single submitter. Criteria: Natera Variant Classification Schema (03/2026). Collection method: clinical testing. Allele origin: germline.
Comment: The c.10573_10574del variant in ALMS1 is a frameshift variant predicted to shift the reading frame beginning at codon 3525 and leads to a stop codon 15 codons downstream. This variant is expected to result in nonsense mediated decay, truncation, or a dysfunctional protein product. This variant is rare in the general population with a frequency below the threshold expected for the associated phenotype(s). Given the available evidence, this variant is classified as Likely Pathogenic.

Laboratorio de Genetica e Diagnostico Molecular, Hospital Israelita Albert Einstein
Classification: Likely pathogenic. Last evaluated: 2022-01-14. Review status: criteria provided, single submitter. Criteria: ACMG Guidelines, 2015. Collection method: clinical testing. Allele origin: germline. Affected: yes.
Comment: ACMG classification criteria: PVS1, PM2

NM_001378454.1(ALMS1):c.10570_10571del (p.Glu3524fs)

Gene: ALMS1 (ALMS1 centrosome and basal body associated protein; plus strand). Cytogenetic location: 2p13.1.
Variant type: Microsatellite.
Coding change: c.10570_10571del on transcript NM_001378454.1 (MANE Select); coding-DNA positions 10570 to 10571, 2 bases deleted (GA; older notation c.10570_10571delGA).
Protein change: p.Glu3524fs; shifts the reading frame from glutamic acid 3524.
Molecular consequence: frameshift variant.
Genome position (GRCh38, 1-based): chr2:73,572,447-73,572,448, GA deleted; deleting any 2 consecutive bases within chr2:73,572,444-73,572,448 gives the same sequence; the c. name uses the placement nearest the transcript's 3' end. VCF-style (leftmost placement, unchanged base first): chr2-73572443-TAG-T. GRCh37 (hg19) VCF-style: chr2-73799570-TAG-T.
Other names: c.10573_10574del, p.Glu3525fs (NM_015120.4); short protein forms E3524fs, E3525fs.
Identifiers: ClinVar variation 1691057 (VCV001691057.3), dbSNP rs2104104246, ClinGen allele CA2580611329.